The following is an entry in ClinVar:

ClinVar aggregate classification (germline): Uncertain significance. Review status: criteria provided, multiple submitters, no conflicts (2 of 4 stars). 2 submissions from 2 submitters: Uncertain significance (2). Last evaluated 2022-08-22.

gnomAD v4.1: 38 of 1,614,202 alleles (0.0024%); highest among the groups gnomAD compares: Non-Finnish European, 0.0031%; no homozygotes.

Submissions (2):

Labcorp Genetics (formerly Invitae), Labcorp
Classification: Uncertain significance. Last evaluated: 2022-08-22. Review status: criteria provided, single submitter. Criteria: Invitae Variant Classification Sherloc (09022015). Collection method: clinical testing. Allele origin: germline.
Comment: This variant is not present in population databases (gnomAD no frequency). In summary, the available evidence is currently insufficient to determine the role of this variant in disease. Therefore, it has been classified as a Variant of Uncertain Significance. Algorithms developed to predict the effect of missense changes on protein structure and function are either unavailable or do not agree on the potential impact of this missense change (SIFT: "Tolerated"; PolyPhen-2: "Possibly Damaging"; Align-GVGD: "Class C0"). ClinVar contains an entry for this variant (Variation ID: 1397294). This variant has not been reported in the literature in individuals affected with A2ML1-related conditions. This sequence change replaces isoleucine, which is neutral and non-polar, with phenylalanine, which is neutral and non-polar, at codon 1447 of the A2ML1 protein (p.Ile1447Phe).

Ambry Genetics
Classification: Uncertain significance. Last evaluated: 2022-08-02. Review status: criteria provided, single submitter. Criteria: Ambry Variant Classification Scheme 2023. Collection method: clinical testing. Allele origin: germline.

NM_144670.6(A2ML1):c.4339A>T (p.Ile1447Phe)

Gene: A2ML1 (alpha-2-macroglobulin like 1; plus strand). Cytogenetic location: 12p13.31.
Variant type: single nucleotide variant.
Coding change: c.4339A>T on transcript NM_144670.6 (MANE Select); coding-DNA position 4339, A replaced by T.
Protein change: p.Ile1447Phe; replaces isoleucine 1447 with phenylalanine.
Molecular consequence: missense variant.
Genome position (GRCh38, 1-based): chr12:8,874,985, A>T. VCF-style: chr12-8874985-A-T. GRCh37 (hg19) VCF-style: chr12-9027581-A-T.
Other names: c.2866A>T, p.Ile956Phe (NM_001282424.3); c.4339A>T (NM_144670.3); short protein forms I956F, I1447F.
Identifiers: ClinVar variation 1397294 (VCV001397294.9), dbSNP rs1201862429, ClinGen allele CA383814867.